The following is an entry in ClinVar:

ClinVar aggregate classification (germline): Pathogenic. Review status: criteria provided, multiple submitters, no conflicts (2 of 4 stars). 2 submissions from 2 submitters: Pathogenic (2). Last evaluated 2024-02-27.

Conditions:
Ataxia-telangiectasia syndrome (AT). Also called: LOUIS-BAR SYNDROME; Cerebello-oculocutaneous telangiectasia; Immunodeficiency with ataxia telangiectasia; Ataxia telangiectasia (A-T); Ataxia-telangiectasia, complementation group D; AT, COMPLEMENTATION GROUP C. Identifiers: Orphanet 100, MedGen C0004135, MONDO:0008840, OMIM 208900.
Hereditary cancer-predisposing syndrome. Also called: Tumor predisposition; Neoplastic Syndromes, Hereditary; Hereditary Cancer Syndrome; Hereditary neoplastic syndrome. Identifiers: Orphanet 140162, MedGen C0027672, MeSH D009386, MONDO:0015356.

Submissions (2):

Ambry Genetics
Classification: Pathogenic for Hereditary cancer-predisposing syndrome. Last evaluated: 2024-02-27. Review status: criteria provided, single submitter. Criteria: Ambry Variant Classification Scheme 2023. Collection method: clinical testing. Allele origin: germline.
Comment: The c.6411_6414delCAGA pathogenic mutation, located in coding exon 43 of the ATM gene, results from a deletion of 4 nucleotides at nucleotide positions 6411 to 6414, causing a translational frameshift with a predicted alternate stop codon (p.D2137Efs*15). This variant is considered to be rare based on population cohorts in the Genome Aggregation Database (gnomAD). This alteration is expected to result in loss of function by premature protein truncation or nonsense-mediated mRNA decay. As such, this alteration is interpreted as a disease-causing mutation.

Labcorp Genetics (formerly Invitae), Labcorp
Classification: Pathogenic for Ataxia-telangiectasia syndrome. Last evaluated: 2023-02-23. Review status: criteria provided, single submitter. Criteria: Invitae Variant Classification Sherloc (09022015). Collection method: clinical testing. Allele origin: germline.
Comment: For these reasons, this variant has been classified as Pathogenic. This variant has not been reported in the literature in individuals affected with ATM-related conditions. This variant is not present in population databases (gnomAD no frequency). This sequence change creates a premature translational stop signal (p.Asp2137Glufs*15) in the ATM gene. It is expected to result in an absent or disrupted protein product. Loss-of-function variants in ATM are known to be pathogenic (PMID: 23807571, 25614872).

Literature cited by the submitters: PubMed 23807571 (cited by Labcorp Genetics (formerly Invitae), Labcorp); PubMed 25614872 (cited by Labcorp Genetics (formerly Invitae), Labcorp).

NM_000051.4(ATM):c.6411_6414del (p.Asp2137fs)

Genes: ATM (ATM serine/threonine kinase; plus strand), C11orf65 (chromosome 11 open reading frame 65; minus strand). Cytogenetic location: 11q22.3.
Variant type: Deletion.
Coding change: c.6411_6414del on transcript NM_000051.4 (MANE Select); coding-DNA positions 6411 to 6414, 4 bases deleted (CAGA; older notation c.6411_6414delCAGA).
Protein change: p.Asp2137fs; shifts the reading frame from aspartic acid 2137.
Molecular consequence: frameshift variant. On other transcripts: intron variant (2).
Genome position (GRCh38, 1-based): chr11:108,320,017-108,320,020, CAGA deleted; deleting any 4 consecutive bases within chr11:108,320,014-108,320,020 gives the same sequence; the c. name uses the placement nearest the transcript's 3' end. VCF-style (leftmost placement, unchanged base first): chr11-108320013-GAGAC-G. GRCh37 (hg19) VCF-style: chr11-108190740-GAGAC-G.
Other names: c.6411_6414del, p.Asp2137fs (NM_001351834.2); c.641-10946_641-10943del (NM_001330368.2); c.*39-10946_*39-10943del (NM_001351110.2); short protein forms D2137fs.
Identifiers: ClinVar variation 2840165 (VCV002840165.4), dbSNP rs2547146951, ClinGen allele CA2739266025.
Genomic context (GRCh38, chr11:108,320,013, plus strand): 5'-GCAAAGAAGTAGAAGGAACCAGTTACCATGAATCATTGTACAATGCTCTACAATCTCTAA[GAGAC>G]AGAGAATTCTCTACATTTTATGAAAGTCTCAAATATGCCAGGTATTATGAAAAGACAAAG-3'